The following is an entry in ClinVar:

ClinVar aggregate classification (germline): Benign (1 of 4 stars; one submission).

Allele frequency attached by ClinVar (database versions not stated): gnomAD 0.37222 and 0.37365; TOPMed 0.37882; 1000 Genomes Project 30x 0.38819; 1000 Genomes Project 0.38958.
gnomAD v4.1: 56,902 of 151,704 alleles (38%); highest among the groups gnomAD compares: East Asian, 49%; 10,669 homozygotes.

Submission:

GeneDx
Classification: Benign. Last evaluated: 2018-06-19. Review status: criteria provided, single submitter. Criteria: GeneDx Variant Classification (06012015). Collection method: clinical testing. Allele origin: germline. Affected: yes.
Comment: This variant is considered likely benign or benign based on one or more of the following criteria: it is a conservative change, it occurs at a poorly conserved position in the protein, it is predicted to be benign by multiple in silico algorithms, and/or has population frequency not consistent with disease.

NM_005677.4(COLQ):c.1196-206A>G

Gene: COLQ (collagen like tail subunit of asymmetric acetylcholinesterase; minus strand). Cytogenetic location: 3p25.1.
Variant type: single nucleotide variant.
Coding change: c.1196-206A>G on transcript NM_005677.4 (MANE Select); 206 bases into the intron before coding-DNA position 1196, A replaced by G.
Molecular consequence: intron variant.
Genome position (GRCh38, 1-based): chr3:15,454,137, T>C on the plus strand (A>G on the coding strand, the complement: COLQ is on the minus strand). VCF-style: chr3-15454137-T-C. GRCh37 (hg19) VCF-style: chr3-15495644-T-C.
Other names: c.1094-206A>G (NM_080539.4); c.1166-206A>G (NM_080538.2).
Identifiers: ClinVar variation 679264 (VCV000679264.1), dbSNP rs3773459, ClinGen allele CA11352871.